The following is an entry in ClinVar:

ClinVar aggregate classification (germline): Uncertain significance (1 of 4 stars; one submission).

Conditions:
Long QT syndrome (LQTS). Identifiers: MedGen C0023976, MeSH D008133, MONDO:0002442. Disease mechanism: loss of function. Inheritance: Various modes of inheritance.

Allele frequency attached by ClinVar (database versions not stated): gnomAD exomes below 0.00001; ExAC 0.00001.
gnomAD v4.1: 3 of 1,614,114 alleles (0.00019%); highest among the groups gnomAD compares: Non-Finnish European, 0.00025%; no homozygotes.

Submission:

Labcorp Genetics (formerly Invitae), Labcorp
Classification: Uncertain significance for Long QT syndrome. Last evaluated: 2023-09-15. Review status: criteria provided, single submitter. Criteria: Invitae Variant Classification Sherloc (09022015). Collection method: clinical testing. Allele origin: germline.
Comment: In summary, the available evidence is currently insufficient to determine the role of this variant in disease. Therefore, it has been classified as a Variant of Uncertain Significance. An algorithm developed to predict the effect of missense changes on protein structure and function (PolyPhen-2) suggests that this variant is likely to be tolerated. This variant has not been reported in the literature in individuals affected with ANK2-related conditions. This variant is present in population databases (rs761093634, gnomAD 0.0009%). This sequence change replaces threonine, which is neutral and polar, with alanine, which is neutral and non-polar, at codon 2951 of the ANK2 protein (p.Thr2951Ala).

NM_001148.6(ANK2):c.8851A>G (p.Thr2951Ala)

Gene: ANK2 (ankyrin 2; plus strand). Cytogenetic location: 4q26.
Variant type: single nucleotide variant.
Coding change: c.8851A>G on transcript NM_001148.6 (MANE Select); coding-DNA position 8851, A replaced by G.
Protein change: p.Thr2951Ala; replaces threonine 2951 with alanine.
Molecular consequence: missense variant. On other transcripts: intron variant (68).
Genome position (GRCh38, 1-based): chr4:113,357,469, A>G. VCF-style: chr4-113357469-A-G. GRCh37 (hg19) VCF-style: chr4-114278625-A-G.
Other names: c.8617A>G, p.Thr2873Ala (NM_001386142.1); c.5251A>G, p.Thr1751Ala (NM_001386166.1); c.8992A>G, p.Thr2998Ala (NM_001386174.1); c.8968A>G, p.Thr2990Ala (NM_001386175.1); c.4412-3354A>G (NM_001386186.2, NM_001386148.2); c.4214-3354A>G (NM_001354269.3); c.4292-3354A>G (NM_001386187.2); c.4253-3354A>G (NM_001386147.1); and 35 more; short protein forms T1751A, T2951A, T2990A, T2873A, T2998A.
Identifiers: ClinVar variation 3015452 (VCV003015452.3), dbSNP rs761093634, ClinGen allele CA3051838.